The following is an entry in ClinVar:

NM_004415.4(DSP):c.4411dup (p.Asp1471fs)

Gene: DSP (desmoplakin; plus strand). Cytogenetic location: 6p24.3.
Variant type: Duplication.
Coding change: c.4411dup on transcript NM_004415.4 (MANE Select); coding-DNA position 4411, one base duplicated (G; older notation c.4411dupG).
Protein change: p.Asp1471fs; shifts the reading frame from aspartic acid 1471.
Molecular consequence: frameshift variant. On other transcripts: intron variant (2).
Genome position (GRCh38, 1-based): chr6:7,580,601, G duplicated. VCF-style (leftmost placement, unchanged base first): chr6-7580600-T-TG. GRCh37 (hg19) VCF-style: chr6-7580833-T-TG.
Other names: c.4050+361dup (NM_001319034.2); c.3582+829dup (NM_001008844.3); short protein forms D1471fs.
Identifiers: ClinVar variation 2936888 (VCV002936888.3), dbSNP rs2533928588, ClinGen allele CA2740090882.

ClinVar aggregate classification (germline): Pathogenic (1 of 4 stars; one submission).

Conditions:
Arrhythmogenic right ventricular dysplasia 8 (ARVD8). Also called: Arrhythmogenic Right Ventricular Dysplasia/Cardiomyopathy 8; ARRHYTHMOGENIC RIGHT VENTRICULAR DYSPLASIA, FAMILIAL, 8; ARRHYTHMOGENIC RIGHT VENTRICULAR CARDIOMYOPATHY 8. Identifiers: MedGen C1843896, MONDO:0011831, OMIM 607450.
Arrhythmogenic cardiomyopathy with wooly hair and keratoderma. Also called: PALMOPLANTAR KERATODERMA WITH LEFT VENTRICULAR CARDIOMYOPATHY AND WOOLLY HAIR; Carvajal syndrome; Dilated cardiomyopathy with woolly hair and keratoderma; Arrhythmogenic cardiomyopathy with woolly hair and keratoderma. Identifiers: Orphanet 65282, MedGen C1854063, MONDO:0011581, OMIM 605676.

Submission:

Labcorp Genetics (formerly Invitae), Labcorp
Classification: Pathogenic for Arrhythmogenic cardiomyopathy with wooly hair and keratoderma; Arrhythmogenic right ventricular dysplasia 8. Last evaluated: 2025-04-26. Review status: criteria provided, single submitter. Criteria: Invitae Variant Classification Sherloc (09022015). Collection method: clinical testing. Allele origin: germline.
Comment: This sequence change creates a premature translational stop signal (p.Asp1471Glyfs*9) in the DSP gene. It is expected to result in an absent or disrupted protein product. Loss-of-function variants in DSP are known to be pathogenic (PMID: 20716751, 24503780, 25227139). This variant is not present in population databases (gnomAD no frequency). This variant has not been reported in the literature in individuals affected with DSP-related conditions. ClinVar contains an entry for this variant (Variation ID: 2936888). For these reasons, this variant has been classified as Pathogenic.

Literature cited by the submitters: PubMed 20716751; PubMed 24503780; PubMed 25227139.